The following is an entry in ClinVar:

ClinVar aggregate classification (germline): Uncertain significance (1 of 4 stars; one submission).

Submission:

GeneDx
Classification: Uncertain significance. Last evaluated: 2026-03-07. Review status: criteria provided, single submitter. Criteria: GeneDx Variant Classification Process June 2021. Collection method: clinical testing. Allele origin: germline.
Comment: Not observed at significant frequency in large population cohorts (gnomAD); Has not been previously published as pathogenic or benign to our knowledge; In silico analysis suggests this variant may impact gene splicing. In the absence of RNA/functional studies, the actual effect of this sequence change is unknown.

NM_001042681.2(RERE):c.1004+4A>G

Gene: RERE (arginine-glutamic acid dipeptide repeats; minus strand). Cytogenetic location: 1p36.23.
Variant type: single nucleotide variant.
Coding change: c.1004+4A>G on transcript NM_001042681.2 (MANE Select); 4 bases into the intron after coding-DNA position 1004, A replaced by G.
Molecular consequence: intron variant.
Genome position (GRCh38, 1-based): chr1:8,497,401, T>C on the plus strand (A>G on the coding strand, the complement: RERE is on the minus strand). VCF-style: chr1-8497401-T-C. GRCh37 (hg19) VCF-style: chr1-8557461-T-C.
Other names: c.1004+4A>G (NM_012102.4).
Identifiers: ClinVar variation 5008767 (VCV005008767.1).